The following is an entry in ClinVar:

ClinVar aggregate classification (germline): Uncertain significance (1 of 4 stars; one submission).

Conditions:
Intellectual developmental disorder with autistic features and language delay, with or without seizures. Identifiers: MedGen C5394447, MONDO:0030051, OMIM 618906.

gnomAD v4.1: 13 of 1,607,032 alleles (0.00081%); highest among the groups gnomAD compares: African/African-American, 0.0027%; no homozygotes.

Submission:

Juno Genomics, Hangzhou Juno Genomics, Inc
Classification: Uncertain significance for Intellectual developmental disorder with autistic features and language delay, with or without seizures. Review status: criteria provided, single submitter. Criteria: ACMG Guidelines, 2015. Collection method: clinical testing. Allele origin: germline.
Comment: Absent from controls (or at extremely low frequency if recessive) in Genome Aggregation Database.

NM_001394998.1(TANC2):c.434-17A>G

Gene: TANC2 (tetratricopeptide repeat, ankyrin repeat and coiled-coil containing 2; plus strand). Cytogenetic location: 17q23.3.
Variant type: single nucleotide variant.
Coding change: c.434-17A>G on transcript NM_001394998.1 (MANE Select); 17 bases into the intron before coding-DNA position 434, A replaced by G.
Molecular consequence: intron variant.
Genome position (GRCh38, 1-based): chr17:63,193,974, A>G. VCF-style: chr17-63193974-A-G. GRCh37 (hg19) VCF-style: chr17-61271335-A-G.
Other names: c.212-17A>G (NM_001411076.1, NM_025185.4).
Identifiers: ClinVar variation 5005791 (VCV005005791.2).